The following is an entry in ClinVar:

NM_015100.4(POGZ):c.1816G>C (p.Asp606His)

Gene: POGZ (pogo transposable element derived with ZNF domain; minus strand). Cytogenetic location: 1q21.3.
Variant type: single nucleotide variant.
Coding change: c.1816G>C on transcript NM_015100.4 (MANE Select); coding-DNA position 1816, G replaced by C.
Protein change: p.Asp606His; replaces aspartic acid 606 with histidine.
Molecular consequence: missense variant.
Genome position (GRCh38, 1-based): chr1:151,411,735, C>G on the plus strand (G>C on the coding strand, the complement: POGZ is on the minus strand). VCF-style: chr1-151411735-C-G. GRCh37 (hg19) VCF-style: chr1-151384211-C-G.
Other names: c.1789G>C, p.Asp597His (NM_001194937.2); c.1630G>C, p.Asp544His (NM_001194938.2); c.1837G>C, p.Asp613His (NM_001410860.1); c.1531G>C, p.Asp511His (NM_145796.4); c.1657G>C, p.Asp553His (NM_207171.2); short protein forms D511H, D544H, D553H, D597H, D606H, D613H.
Identifiers: ClinVar variation 3573764 (VCV003573764.2).

ClinVar aggregate classification (germline): Uncertain significance (1 of 4 stars; one submission).

Submission:

GeneDx
Classification: Uncertain significance. Last evaluated: 2026-09-04. Review status: criteria provided, single submitter. Criteria: GeneDx Variant Classification Process June 2021. Collection method: clinical testing. Allele origin: germline.
Comment: Not observed at significant frequency in large population cohorts (gnomAD); In silico analysis supports that this missense variant has a deleterious effect on protein structure/function; Has not been previously published as pathogenic or benign to our knowledge